The following is an entry in ClinVar:

ClinVar aggregate classification (germline): Uncertain significance. Review status: criteria provided, multiple submitters, no conflicts (2 of 4 stars). 2 submissions from 2 submitters: Uncertain significance (2). Last evaluated 2024-02-09.

Conditions:
Inborn genetic diseases. Identifiers: MedGen C0950123, MeSH D030342.

Allele frequency attached by ClinVar (database versions not stated): ExAC 0.00003; gnomAD 0.00004; TOPMed 0.00004; gnomAD exomes 0.00007.
gnomAD v4.1: 103 of 1,613,958 alleles (0.0064%); highest among the groups gnomAD compares: Admixed American, 0.013%; no homozygotes.

Submissions (2):

Labcorp Genetics (formerly Invitae), Labcorp
Classification: Uncertain significance. Last evaluated: 2024-02-09. Review status: criteria provided, single submitter. Criteria: Invitae Variant Classification Sherloc (09022015). Collection method: clinical testing. Allele origin: germline.
Comment: This sequence change replaces serine, which is neutral and polar, with leucine, which is neutral and non-polar, at codon 93 of the XPR1 protein (p.Ser93Leu). This variant is present in population databases (rs751536472, gnomAD 0.02%). This variant has not been reported in the literature in individuals affected with XPR1-related conditions. ClinVar contains an entry for this variant (Variation ID: 2347652). Advanced modeling of protein sequence and biophysical properties (such as structural, functional, and spatial information, amino acid conservation, physicochemical variation, residue mobility, and thermodynamic stability) performed at Invitae indicates that this missense variant is not expected to disrupt XPR1 protein function with a negative predictive value of 80%. In summary, the available evidence is currently insufficient to determine the role of this variant in disease. Therefore, it has been classified as a Variant of Uncertain Significance.

Ambry Genetics
Classification: Uncertain significance for Inborn genetic diseases. Last evaluated: 2022-05-11. Review status: criteria provided, single submitter. Criteria: Ambry Variant Classification Scheme 2023. Collection method: clinical testing. Allele origin: germline.

NM_004736.4(XPR1):c.278C>T (p.Ser93Leu)

Gene: XPR1 (xenotropic and polytropic retrovirus receptor 1; plus strand). Cytogenetic location: 1q25.3.
Variant type: single nucleotide variant.
Coding change: c.278C>T on transcript NM_004736.4 (MANE Select); coding-DNA position 278, C replaced by T.
Protein change: p.Ser93Leu; replaces serine 93 with leucine.
Molecular consequence: missense variant. On other transcripts: non-coding transcript variant (1).
Genome position (GRCh38, 1-based): chr1:180,803,442, C>T. VCF-style: chr1-180803442-C-T. GRCh37 (hg19) VCF-style: chr1-180772578-C-T.
Other names: c.278C>T, p.Ser93Leu (NM_001135669.2, NM_001328662.2); short protein forms S93L.
Identifiers: ClinVar variation 2347652 (VCV002347652.5), dbSNP rs751536472, ClinGen allele CA1272521.